The following is an entry in ClinVar:

ClinVar aggregate classification (germline): Uncertain significance (1 of 4 stars; one submission).

Conditions:
Hereditary cancer-predisposing syndrome. Also called: Neoplastic Syndromes, Hereditary; Tumor predisposition; Hereditary Cancer Syndrome; Hereditary neoplastic syndrome. Identifiers: Orphanet 140162, MedGen C0027672, MeSH D009386, MONDO:0015356.

Submission:

Ambry Genetics
Classification: Uncertain significance for Hereditary cancer-predisposing syndrome. Last evaluated: 2025-07-14. Review status: criteria provided, single submitter. Criteria: Ambry Variant Classification Scheme 2023. Collection method: clinical testing. Allele origin: germline.
Comment: The p.Q675R variant (also known as c.2024A>G), located in coding exon 12 of the ATM gene, results from an A to G substitution at nucleotide position 2024. The glutamine at codon 675 is replaced by arginine, an amino acid with highly similar properties. This amino acid position is conserved. In addition, this alteration is predicted to be tolerated by in silico analysis. Based on the available evidence, the clinical significance of this variant remains unclear.

NM_000051.4(ATM):c.2024A>G (p.Gln675Arg)

Gene: ATM (ATM serine/threonine kinase; plus strand). Cytogenetic location: 11q22.3.
Variant type: single nucleotide variant.
Coding change: c.2024A>G on transcript NM_000051.4 (MANE Select); coding-DNA position 2024, A replaced by G.
Protein change: p.Gln675Arg; replaces glutamine 675 with arginine.
Molecular consequence: missense variant.
Genome position (GRCh38, 1-based): chr11:108,253,939, A>G. VCF-style: chr11-108253939-A-G. GRCh37 (hg19) VCF-style: chr11-108124666-A-G.
Other names: c.2024A>G, p.Gln675Arg (NM_001351834.2); short protein forms Q675R.
Identifiers: ClinVar variation 4169304 (VCV004169304.1).